The following is an entry in ClinVar:

ClinVar aggregate classification (germline): Uncertain significance (1 of 4 stars; one submission).

Conditions:
Familial intrahepatic cholestasis. Identifiers: Orphanet 284385, MedGen CN296401, MONDO:0017290.

Submission:

Genomenon, Inc
Classification: Uncertain significance for Familial intrahepatic cholestasis. Last evaluated: 2026-04-14. Review status: criteria provided, single submitter. Criteria: Genomenon Sequence Variant Interpretation Standards - Updated. Collection method: curation. Allele origin: germline. Affected: yes.
Comment: ABCB11 p.Trp330Cys (c.990G>C) is a missense variant that changes the amino acid at residue 330 from Tryptophan to Cysteine. This variant has been observed in at least one proband with an ABCB11-related disorder (PMID:39960943). It is absent or not present at a significant frequency in gnomAD. In silico models predict that this variant is possibly or probably damaging. In conclusion, we classify ABCB11 p.Trp330Cys (c.990G>C) as a variant of uncertain significance.

Literature cited by the submitters: PubMed 39960943.

NM_003742.4(ABCB11):c.990G>C (p.Trp330Cys)

Gene: ABCB11 (ATP binding cassette subfamily B member 11; minus strand). Cytogenetic location: 2q31.1.
Variant type: single nucleotide variant.
Coding change: c.990G>C on transcript NM_003742.4 (MANE Select); coding-DNA position 990, G replaced by C.
Protein change: p.Trp330Cys; replaces tryptophan 330 with cysteine.
Molecular consequence: missense variant.
Genome position (GRCh38, 1-based): chr2:168,986,203, C>G on the plus strand (G>C on the coding strand, the complement: ABCB11 is on the minus strand). VCF-style: chr2-168986203-C-G. GRCh37 (hg19) VCF-style: chr2-169842713-C-G.
Other names: short protein forms W330C.
Identifiers: ClinVar variation 4846217 (VCV004846217.1).